The following is an entry in ClinVar:

NM_001385641.1(SAMD11):c.920G>A (p.Arg307His)

Gene: SAMD11 (sterile alpha motif domain containing 11; plus strand). Cytogenetic location: 1p36.33.
Variant type: single nucleotide variant.
Coding change: c.920G>A on transcript NM_001385641.1 (MANE Select); coding-DNA position 920, G replaced by A.
Protein change: p.Arg307His; replaces arginine 307 with histidine.
Molecular consequence: missense variant.
Genome position (GRCh38, 1-based): chr1:935,849, G>A. VCF-style: chr1-935849-G-A. GRCh37 (hg19) VCF-style: chr1-871229-G-A.
Other names: c.920G>A, p.Arg307His (NM_001385640.1); c.383G>A, p.Arg128His (NM_152486.4); short protein forms R128H, R307H.
Identifiers: ClinVar variation 1352371 (VCV001352371.6), dbSNP rs149944086, ClinGen allele CA502585.

ClinVar aggregate classification (germline): Uncertain significance (1 of 4 stars; one submission).

gnomAD v4.1: 5 of 1,613,142 alleles (0.00031%); highest among the groups gnomAD compares: African/African-American, 0.0013%; no homozygotes.

Submission:

Labcorp Genetics (formerly Invitae), Labcorp
Classification: Uncertain significance. Last evaluated: 2022-10-24. Review status: criteria provided, single submitter. Criteria: Invitae Variant Classification Sherloc (09022015). Collection method: clinical testing. Allele origin: germline.
Comment: This sequence change replaces arginine, which is basic and polar, with histidine, which is basic and polar, at codon 128 of the SAMD11 protein (p.Arg128His). This variant is present in population databases (rs149944086, gnomAD 0.003%). This variant has not been reported in the literature in individuals affected with SAMD11-related conditions. ClinVar contains an entry for this variant (Variation ID: 1352371). Algorithms developed to predict the effect of missense changes on protein structure and function output the following: SIFT: "Tolerated"; PolyPhen-2: "Benign"; Align-GVGD: "Class C0". The histidine amino acid residue is found in multiple mammalian species, which suggests that this missense change does not adversely affect protein function. In summary, the available evidence is currently insufficient to determine the role of this variant in disease. Therefore, it has been classified as a Variant of Uncertain Significance.